The following is an entry in ClinVar:

ClinVar aggregate classification (germline): Uncertain significance (1 of 4 stars; one submission).

Submission:

Labcorp Genetics (formerly Invitae), Labcorp
Classification: Uncertain significance. Last evaluated: 2022-07-05. Review status: criteria provided, single submitter. Criteria: Invitae Variant Classification Sherloc (09022015). Collection method: clinical testing. Allele origin: germline.
Comment: ClinVar contains an entry for this variant (Variation ID: 1372192). This variant has not been reported in the literature in individuals affected with PNPT1-related conditions. This variant is not present in population databases (gnomAD no frequency). This sequence change replaces threonine, which is neutral and polar, with asparagine, which is neutral and polar, at codon 78 of the PNPT1 protein (p.Thr78Asn). Advanced modeling of protein sequence and biophysical properties (such as structural, functional, and spatial information, amino acid conservation, physicochemical variation, residue mobility, and thermodynamic stability) performed at Invitae indicates that this missense variant is expected to disrupt PNPT1 protein function. In summary, the available evidence is currently insufficient to determine the role of this variant in disease. Therefore, it has been classified as a Variant of Uncertain Significance.

NM_033109.5(PNPT1):c.233C>A (p.Thr78Asn)

Gene: PNPT1 (polyribonucleotide nucleotidyltransferase 1; minus strand). Cytogenetic location: 2p16.1.
Variant type: single nucleotide variant.
Coding change: c.233C>A on transcript NM_033109.5 (MANE Select); coding-DNA position 233, C replaced by A.
Protein change: p.Thr78Asn; replaces threonine 78 with asparagine.
Molecular consequence: missense variant.
Genome position (GRCh38, 1-based): chr2:55,686,434, G>T on the plus strand (C>A on the coding strand, the complement: PNPT1 is on the minus strand). VCF-style: chr2-55686434-G-T. GRCh37 (hg19) VCF-style: chr2-55913569-G-T.
Other names: short protein forms T78N.
Identifiers: ClinVar variation 1372192 (VCV001372192.6), dbSNP rs2104179027, ClinGen allele CA346942112.
Genomic context (GRCh38, chr2:55,686,434, plus strand): 5'-AAAGGCATAAACTGGGAAGGGGAAGGTTTTGTTTTACTGACCGCTGTGACCATTACTGCA[G>T]TGTCACCTGACTTAAACATAAAGAACAACGCTGGTAAGTTCCTTTGAAATCAGATATTAG-3'
Protein context (NP_149100.2, residues 68-88): DGSAVVQSGD[Thr78Asn]AVMVTAVSKT